The following is an entry in ClinVar:

ClinVar aggregate classification (germline): Conflicting classifications of pathogenicity. Review status: criteria provided, conflicting classifications (1 of 4 stars). 6 submissions from 6 submitters: Uncertain significance (2); Benign (1); Likely benign (3). Last evaluated 2026-08-30.

Conditions:
TSC2-related disorder. Also called: TSC2-related condition; TSC2-Related Disorders.
Hereditary cancer-predisposing syndrome. Also called: Neoplastic Syndromes, Hereditary; Tumor predisposition; Hereditary Cancer Syndrome; Hereditary neoplastic syndrome. Identifiers: Orphanet 140162, MedGen C0027672, MeSH D009386, MONDO:0015356.
Tuberous sclerosis syndrome (TSC). Also called: Tuberous Sclerosis Complex; Tuberous sclerosis. Identifiers: Orphanet 805, MedGen C0041341, MONDO:0001734.
Tuberous sclerosis 2 (TSC2). Identifiers: Orphanet 805, MedGen C1860707, MONDO:0013199, OMIM 613254.

Allele frequency attached by ClinVar (database versions not stated): ExAC 0.00003; gnomAD 0.00003; TOPMed 0.00006.
gnomAD v4.1: 53 of 1,609,620 alleles (0.0033%); highest among the groups gnomAD compares: Admixed American, 0.015%; no homozygotes.

Submissions (6):

PreventionGenetics, part of Exact Sciences
Classification: Likely benign for TSC2-related condition. Last evaluated: 2026-08-30. Review status: criteria provided, single submitter. Criteria: ACMG Guidelines, 2015. Collection method: clinical testing. Allele origin: germline.
Comment: This variant is classified as likely benign based on ACMG/AMP sequence variant interpretation guidelines (Richards et al. 2015 PMID: 25741868, with internal and published modifications).

Labcorp Genetics (formerly Invitae), Labcorp
Classification: Benign for Tuberous sclerosis 2. Last evaluated: 2026-01-21. Review status: criteria provided, single submitter. Criteria: Invitae Variant Classification Sherloc (09022015). Collection method: clinical testing. Allele origin: germline.

Ambry Genetics
Classification: Likely benign for Hereditary cancer-predisposing syndrome. Last evaluated: 2024-12-18. Review status: criteria provided, single submitter. Criteria: Ambry Variant Classification Scheme 2023. Collection method: clinical testing. Allele origin: germline.

All of Us Research Program, National Institutes of Health
Classification: Uncertain significance for Tuberous sclerosis syndrome. Last evaluated: 2024-08-13. Review status: criteria provided, single submitter. Criteria: ACMG Guidelines, 2015. Collection method: clinical testing. Allele origin: germline. Inheritance: Autosomal dominant inheritance. Observed: 8 variant alleles, 8 heterozygotes.
Comment: This missense variant replaces valine with methionine at codon 1407 of the TSC2 protein. Computational prediction is inconclusive regarding the impact of this variant on protein structure and function (internally defined REVEL score threshold 0.5 < inconclusive < 0.7, PMID: 27666373). To our knowledge, functional studies have not been reported for this variant. This variant has not been reported in individuals affected with tuberous sclerosis complex in the literature. This variant has been identified in 12/272584 chromosomes in the general population by the Genome Aggregation Database (gnomAD). The available evidence is insufficient to determine the role of this variant in disease conclusively. Therefore, this variant is classified as a Variant of Uncertain Significance.

This study involves interpretation of variants in research participants for the purpose of population health screening. Participant phenotype was not available at the time of variant classification. Additional details can be found in publication PMID: 35346344, PMCID: PMC8962531

Color Diagnostics, LLC DBA Color Health
Classification: Uncertain significance for Tuberous sclerosis syndrome. Last evaluated: 2024-02-04. Review status: criteria provided, single submitter. Criteria: ACMG Guidelines, 2015. Collection method: clinical testing. Allele origin: germline.
Comment: This missense variant replaces valine with methionine at codon 1407 of the TSC2 protein. Computational prediction is inconclusive regarding the impact of this variant on protein structure and function. To our knowledge, functional studies have not been reported for this variant. This variant has not been reported in individuals affected with tuberous sclerosis complex in the literature. This variant has been identified in 12/272584 chromosomes in the general population by the Genome Aggregation Database (gnomAD). The available evidence is insufficient to determine the role of this variant in disease conclusively. Therefore, this variant is classified as a Variant of Uncertain Significance.

Genome-Nilou Lab
Classification: Likely benign for Tuberous sclerosis 2. Last evaluated: 2021-11-07. Review status: criteria provided, single submitter. Criteria: ACMG Guidelines, 2015. Collection method: clinical testing. Allele origin: germline. Affected: no.

NM_000548.5(TSC2):c.4219G>A (p.Val1407Met)

Gene: TSC2 (TSC complex subunit 2; plus strand). Cytogenetic location: 16p13.3.
Variant type: single nucleotide variant.
Coding change: c.4219G>A on transcript NM_000548.5 (MANE Select); coding-DNA position 4219, G replaced by A.
Protein change: p.Val1407Met; replaces valine 1407 with methionine.
Molecular consequence: missense variant.
Genome position (GRCh38, 1-based): chr16:2,084,441, G>A. VCF-style: chr16-2084441-G-A. GRCh37 (hg19) VCF-style: chr16-2134442-G-A.
Other names: c.4219G>A (NM_000548.4); c.4018G>A, p.Val1340Met (NM_001077183.3); c.4150G>A, p.Val1384Met (NM_001114382.3); c.3910G>A, p.Val1304Met (NM_001318827.2); c.3874G>A, p.Val1292Met (NM_001318829.2); c.3487G>A, p.Val1163Met (NM_001318831.2); c.4051G>A, p.Val1351Met (NM_001318832.2); c.4021G>A, p.Val1341Met (NM_001363528.2); and 2 more; short protein forms V1407M, V1340M, V1351M, V1364M, V1384M, V1304M, V1341M, V1163M.
Identifiers: ClinVar variation 406016 (VCV000406016.22), dbSNP rs45517332, ClinGen allele CA050677.